The following is an entry in ClinVar:

ClinVar aggregate classification (germline): Pathogenic (1 of 4 stars; one submission).

Conditions:
Growth delay due to insulin-like growth factor type 1 deficiency (IGF1D). Also called: GROWTH RETARDATION WITH SENSORINEURAL DEAFNESS AND MENTAL RETARDATION; IGF1 DEFICIENCY. Identifiers: Orphanet 73272, MedGen C1837475, MONDO:0012110, OMIM 608747.

Submission:

Unidad de Genómica Garrahan, Hospital de Pediatría Garrahan
Classification: Pathogenic for Growth delay due to insulin-like growth factor type 1 deficiency. Last evaluated: 2024-05-10. Review status: criteria provided, single submitter. Criteria: ACMG/ClinGen CNV Guidelines, 2019. Collection method: clinical testing. Allele origin: unknown. Inheritance: Autosomal dominant inheritance. Affected: yes. Observed: 1 heterozygote.
Comment: Heterozygous deletions spanning the IGF1 gene are described in the literature associated with short stature, microcephaly, and small for gestational age.

Literature cited by the submitters: PubMed 34125705; PubMed 24243634.

GRCh37/hg19 12q23.2(chr12:102771260-103025475)x1

Gene: IGF1 (insulin like growth factor 1; minus strand). Cytogenetic location: 12q23.2.
Variant type: copy number loss.
Change: copy number 1 (one copy instead of two) of chr12:102,771,260-103,025,475 (254.2 kb, GRCh37 coordinates, 1-based), cytogenetic band 12q23.2.
Other names: arr[GRCh37] 12q23.2(102673341x2,102771260_103025475x1,103095280x2).
Identifiers: ClinVar variation 3235696 (VCV003235696.2).